The following is an entry in ClinVar:

NM_001365088.1(SLC12A6):c.192T>A (p.Ser64=)

Gene: SLC12A6 (solute carrier family 12 member 6; minus strand). Cytogenetic location: 15q14.
Variant type: single nucleotide variant.
Coding change: c.192T>A on transcript NM_001365088.1 (MANE Select); coding-DNA position 192, T replaced by A.
Protein change: p.Ser64=; no amino-acid change (serine 64 retained).
Molecular consequence: synonymous variant.
Genome position (GRCh38, 1-based): chr15:34,336,489, A>T on the plus strand (T>A on the coding strand, the complement: SLC12A6 is on the minus strand). VCF-style: chr15-34336489-A-T. GRCh37 (hg19) VCF-style: chr15-34628690-A-T.
Other names: c.15T>A, p.Ser5= (NM_001042494.2, NM_001042495.2); c.165T>A, p.Ser55= (NM_001042496.2); c.192T>A, p.Ser64= (NM_001042497.2, NM_133647.2).
Identifiers: ClinVar variation 1111910 (VCV001111910.32), dbSNP rs1257946953, ClinGen allele CA489409216.

ClinVar aggregate classification (germline): Likely benign. Review status: criteria provided, multiple submitters, no conflicts (2 of 4 stars). 2 submissions from 2 submitters: Likely benign (2). Last evaluated 2022-11-01.

Submissions (2):

CeGaT Center for Human Genetics Tuebingen
Classification: Likely benign. Last evaluated: 2022-11-01. Review status: criteria provided, single submitter. Criteria: CeGaT Center For Human Genetics Tuebingen Variant Classification Criteria Version 2. Collection method: clinical testing. Allele origin: germline. Affected: yes. Observed: 1 variant allele.
Comment: SLC12A6: PM2:Supporting, BP4, BP7

Labcorp Genetics (formerly Invitae), Labcorp
Classification: Likely benign. Last evaluated: 2019-04-06. Review status: criteria provided, single submitter. Criteria: Invitae Variant Classification Sherloc (09022015). Collection method: clinical testing. Allele origin: germline.